The following is an entry in ClinVar:

NM_001040142.2(SCN2A):c.1978C>T (p.Pro660Ser)

Gene: SCN2A (sodium voltage-gated channel alpha subunit 2; plus strand). Cytogenetic location: 2q24.3.
Variant type: single nucleotide variant.
Coding change: c.1978C>T on transcript NM_001040142.2 (MANE Select); coding-DNA position 1978, C replaced by T.
Protein change: p.Pro660Ser; replaces proline 660 with serine.
Molecular consequence: missense variant.
Genome position (GRCh38, 1-based): chr2:165,323,462, C>T. VCF-style: chr2-165323462-C-T. GRCh37 (hg19) VCF-style: chr2-166179972-C-T.
Other names: c.1978C>T, p.Pro660Ser (NM_001040143.2, NM_001371246.1, NM_001371247.1 and 1 more transcripts); short protein forms P660S.
Identifiers: ClinVar variation 2931485 (VCV002931485.3), dbSNP rs1346341071, ClinGen allele CA349027780.

ClinVar aggregate classification (germline): Uncertain significance (1 of 4 stars; one submission).

Conditions:
Seizures, benign familial infantile, 3 (BFIS3). Also called: CONVULSIONS, BENIGN FAMILIAL INFANTILE, 3; Familial neonatal seizures. Identifiers: Orphanet 140927, Orphanet 306, MedGen C1843140, MONDO:0011904, OMIM 607745.
Developmental and epileptic encephalopathy, 11 (DEE11). Also called: Early infantile epileptic encephalopathy 11. Identifiers: Orphanet 1934, MedGen C3150987, MONDO:0013388, OMIM 613721.

Allele frequency attached by ClinVar (database versions not stated): gnomAD exomes below 0.00001; gnomAD 0.00001; TOPMed 0.00002.
gnomAD v4.1: 6 of 1,613,690 alleles (0.00037%); highest among the groups gnomAD compares: Non-Finnish European, 0.00051%; no homozygotes.

Submission:

Labcorp Genetics (formerly Invitae), Labcorp
Classification: Uncertain significance for Seizures, benign familial infantile, 3; Developmental and epileptic encephalopathy, 11. Last evaluated: 2024-11-19. Review status: criteria provided, single submitter. Criteria: Invitae Variant Classification Sherloc (09022015). Collection method: clinical testing. Allele origin: germline.
Comment: This sequence change replaces proline, which is neutral and non-polar, with serine, which is neutral and polar, at codon 660 of the SCN2A protein (p.Pro660Ser). This variant is not present in population databases (gnomAD no frequency). This variant has not been reported in the literature in individuals affected with SCN2A-related conditions. ClinVar contains an entry for this variant (Variation ID: 2931485). Invitae Evidence Modeling of protein sequence and biophysical properties (such as structural, functional, and spatial information, amino acid conservation, physicochemical variation, residue mobility, and thermodynamic stability) indicates that this missense variant is not expected to disrupt SCN2A protein function with a negative predictive value of 95%. In summary, the available evidence is currently insufficient to determine the role of this variant in disease. Therefore, it has been classified as a Variant of Uncertain Significance.